The following is an entry in ClinVar:

NM_004990.4(MARS1):c.414+1G>T

Gene: MARS1 (methionyl-tRNA synthetase 1; plus strand). Cytogenetic location: 12q13.3.
Variant type: single nucleotide variant.
Coding change: c.414+1G>T on transcript NM_004990.4 (MANE Select); the canonical splice donor site of the intron after coding-DNA position 414, G replaced by T.
Molecular consequence: splice donor variant.
Genome position (GRCh38, 1-based): chr12:57,489,559, G>T. VCF-style: chr12-57489559-G-T. GRCh37 (hg19) VCF-style: chr12-57883342-G-T.
Identifiers: ClinVar variation 2929384 (VCV002929384.3), dbSNP rs747354935, ClinGen allele CA6650156.

ClinVar aggregate classification (germline): Uncertain significance (1 of 4 stars; one submission).

Conditions:
Charcot-Marie-Tooth disease axonal type 2U. Also called: CHARCOT-MARIE-TOOTH NEUROPATHY, TYPE 2U; CHARCOT-MARIE-TOOTH DISEASE, AXONAL, AUTOSOMAL DOMINANT, TYPE 2U. Identifiers: Orphanet 397735, MedGen C4084821, MONDO:0014566, OMIM 616280.
Severe early-onset pulmonary alveolar proteinosis due to MARS deficiency. Also called: PULMONARY ALVEOLAR PROTEINOSIS, REUNION ISLAND; Interstitial lung and liver disease. Identifiers: Orphanet 440427, MedGen C4225400, MONDO:0014206, OMIM 615486.

Allele frequency attached by ClinVar (database versions not stated): TOPMed below 0.00001; gnomAD 0.00001; gnomAD exomes 0.00001; ExAC 0.00002.
gnomAD v4.1: 6 of 1,614,012 alleles (0.00037%); highest among the groups gnomAD compares: Admixed American, 0.01%; no homozygotes.

Submission:

Labcorp Genetics (formerly Invitae), Labcorp
Classification: Uncertain significance for Charcot-Marie-Tooth disease axonal type 2U; Severe early-onset pulmonary alveolar proteinosis due to MARS deficiency. Last evaluated: 2023-03-14. Review status: criteria provided, single submitter. Criteria: Invitae Variant Classification Sherloc (09022015). Collection method: clinical testing. Allele origin: germline.
Comment: In summary, the available evidence is currently insufficient to determine the role of this variant in disease. Therefore, it has been classified as a Variant of Uncertain Significance. Algorithms developed to predict the effect of sequence changes on RNA splicing suggest that this variant may disrupt the consensus splice site. This variant has not been reported in the literature in individuals affected with MARS-related conditions. The frequency data for this variant in the population databases is considered unreliable, as metrics indicate poor data quality at this position in the gnomAD database. This sequence change affects a donor splice site in intron 4 of the MARS gene. It is expected to disrupt RNA splicing. Variants that disrupt the donor or acceptor splice site typically lead to a loss of protein function (PMID: 16199547), however the current clinical and genetic evidence is not sufficient to establish whether loss-of-function variants in MARS cause disease.

Literature cited by the submitters: PubMed 16199547.